The following is an entry in ClinVar:

NM_000330.4(RS1):c.279T>A (p.Tyr93Ter)

Genes: CDKL5 (cyclin dependent kinase like 5; plus strand), RS1 (retinoschisin 1; minus strand). Cytogenetic location: Xp22.13.
Variant type: single nucleotide variant.
Coding change: c.279T>A on transcript NM_000330.4 (MANE Select); coding-DNA position 279, T replaced by A.
Protein change: p.Tyr93Ter; replaces tyrosine 93 with a stop codon.
Molecular consequence: nonsense. On other transcripts: intron variant (2).
Genome position (GRCh38, 1-based): chrX:18,647,238, A>T on the plus strand (T>A on the coding strand, the complement: RS1 is on the minus strand). VCF-style: chrX-18647238-A-T. GRCh37 (hg19) VCF-style: chrX-18665358-A-T.
Other names: c.2797+1148A>T (NM_003159.3, NM_001037343.2); short protein forms Y93*.
Identifiers: ClinVar variation 379264 (VCV000379264.4), dbSNP rs1057520548, ClinGen allele CA16608369.

ClinVar aggregate classification (germline): Pathogenic (1 of 4 stars; one submission).

Submission:

GeneDx
Classification: Pathogenic. Last evaluated: 2015-03-08. Review status: criteria provided, single submitter. Criteria: GeneDx Variant Classification (06012015). Collection method: clinical testing. Allele origin: germline. Affected: yes.
Comment: The Y93X nonsense variant in the RS1 gene is predicted to cause loss of normal protein function eitherthrough protein truncation or nonsense-mediated mRNA decay. The Y93X variant was not observed in approximately 6,500 samples from individuals of European and African American ancestry in the NHLBI ESP Exome Sequencing Project, indicating it is not a common benign variant in these populations. Although this variant has not been reported previously to ourknowledge, we interpret it as pathogenic.